The following is an entry in ClinVar:

ClinVar aggregate classification (germline): Uncertain significance. Review status: criteria provided, multiple submitters, no conflicts (2 of 4 stars). 5 submissions from 5 submitters: Uncertain significance (4). 1 of the submissions does not count toward it. Last evaluated 2025-08-02.

Conditions:
Hereditary cancer-predisposing syndrome. Also called: Neoplastic Syndromes, Hereditary; Hereditary Cancer Syndrome; Tumor predisposition; Hereditary neoplastic syndrome. Identifiers: Orphanet 140162, MedGen C0027672, MeSH D009386, MONDO:0015356.
Bloom syndrome (BLM). Also called: Bloom-Torre-Machacek syndrome. Identifiers: Orphanet 125, MedGen C0005859, MONDO:0008876, OMIM 210900.

Allele frequency attached by ClinVar (database versions not stated): gnomAD exomes below 0.00001 and 0.00001.
gnomAD v4.1: 2 of 1,614,138 alleles (0.00012%); highest among the groups gnomAD compares: African/African-American, 0.0027%; no homozygotes.

Submissions (5):

Ambry Genetics
Classification: Uncertain significance for Hereditary cancer-predisposing syndrome. Last evaluated: 2025-08-02. Review status: criteria provided, single submitter. Criteria: Ambry Variant Classification Scheme 2023. Collection method: clinical testing. Allele origin: germline.
Comment: The p.D158N variant (also known as c.472G>A), located in coding exon 2 of the BLM gene, results from a G to A substitution at nucleotide position 472. The aspartic acid at codon 158 is replaced by asparagine, an amino acid with highly similar properties. This amino acid position is conserved. In addition, this alteration is predicted to be tolerated by in silico analysis. Since supporting evidence is limited at this time, the clinical significance of this alteration remains unclear.

GeneDx
Classification: Uncertain significance. Last evaluated: 2023-06-23. Review status: criteria provided, single submitter. Criteria: GeneDx Variant Classification Process June 2021. Collection method: clinical testing. Allele origin: germline. Affected: yes.
Comment: Not observed at significant frequency in large population cohorts (gnomAD); In silico analysis supports that this missense variant does not alter protein structure/function; Has not been previously published as pathogenic or benign to our knowledge

Labcorp Genetics (formerly Invitae), Labcorp
Classification: Uncertain significance for Bloom syndrome. Last evaluated: 2023-05-05. Review status: criteria provided, single submitter. Criteria: Invitae Variant Classification Sherloc (09022015). Collection method: clinical testing. Allele origin: germline.
Comment: An algorithm developed to predict the effect of missense changes on protein structure and function (PolyPhen-2) suggests that this variant is likely to be disruptive. This sequence change replaces aspartic acid, which is acidic and polar, with asparagine, which is neutral and polar, at codon 158 of the BLM protein (p.Asp158Asn). This variant is present in population databases (no rsID available, gnomAD 0.01%). This variant has not been reported in the literature in individuals affected with BLM-related conditions. ClinVar contains an entry for this variant (Variation ID: 1037845). In summary, the available evidence is currently insufficient to determine the role of this variant in disease. Therefore, it has been classified as a Variant of Uncertain Significance.

Mendelics
Classification: Uncertain significance. Last evaluated: 2022-05-04. Review status: criteria provided, single submitter. Criteria: Mendelics Assertion Criteria 2019. Collection method: clinical testing. Allele origin: germline.

Natera, Inc.
Classification: Uncertain significance for Bloom syndrome. Last evaluated: 2020-08-03. Review status: no assertion criteria provided. Collection method: clinical testing. Allele origin: germline. Not counted in ClinVar's aggregate classification.

NM_000057.4(BLM):c.472G>A (p.Asp158Asn)

Gene: BLM (BLM RecQ like helicase; plus strand). Cytogenetic location: 15q26.1.
Variant type: single nucleotide variant.
Coding change: c.472G>A on transcript NM_000057.4 (MANE Select); coding-DNA position 472, G replaced by A.
Protein change: p.Asp158Asn; replaces aspartic acid 158 with asparagine.
Molecular consequence: missense variant. On other transcripts: 5 prime UTR variant (1).
Genome position (GRCh38, 1-based): chr15:90,749,740, G>A. VCF-style: chr15-90749740-G-A. GRCh37 (hg19) VCF-style: chr15-91292970-G-A.
Other names: c.472G>A (NM_000057.2); c.472G>A, p.Asp158Asn (NM_001287246.2, NM_001287247.2); c.-820G>A (NM_001287248.2); short protein forms D158N.
Identifiers: ClinVar variation 1037845 (VCV001037845.15), dbSNP rs1210664602, ClinGen allele CA393840860.